The following is an entry in ClinVar:

NM_025103.4(IFT74):c.405G>A (p.Arg135=)

Gene: IFT74 (intraflagellar transport 74; plus strand). Cytogenetic location: 9p21.2.
Variant type: single nucleotide variant.
Coding change: c.405G>A on transcript NM_025103.4 (MANE Select); coding-DNA position 405, G replaced by A.
Protein change: p.Arg135=; no amino-acid change (arginine 135 retained).
Molecular consequence: synonymous variant.
Genome position (GRCh38, 1-based): chr9:26,984,499, G>A. VCF-style: chr9-26984499-G-A. GRCh37 (hg19) VCF-style: chr9-26984497-G-A.
Other names: c.405G>A, p.Arg135= (NM_001099222.3, NM_001099223.3, NM_001099224.3 and 1 more transcripts).
Identifiers: ClinVar variation 1968743 (VCV001968743.3), dbSNP rs1188780598, ClinGen allele CA464167979.

ClinVar aggregate classification (germline): Uncertain significance (1 of 4 stars; one submission).

Allele frequency attached by ClinVar (database versions not stated): TOPMed below 0.00001; gnomAD 0.00001; gnomAD exomes 0.00001.
gnomAD v4.1: 16 of 1,610,758 alleles (0.00099%); highest among the groups gnomAD compares: Admixed American, 0.0017%; no homozygotes.

Submission:

Labcorp Genetics (formerly Invitae), Labcorp
Classification: Uncertain significance. Last evaluated: 2022-08-20. Review status: criteria provided, single submitter. Criteria: Invitae Variant Classification Sherloc (09022015). Collection method: clinical testing. Allele origin: germline.
Comment: Algorithms developed to predict the effect of sequence changes on RNA splicing suggest that this variant is not likely to affect RNA splicing. In summary, the available evidence is currently insufficient to determine the role of this variant in disease. Therefore, it has been classified as a Variant of Uncertain Significance. This variant has not been reported in the literature in individuals affected with IFT74-related conditions. This variant is present in population databases (no rsID available, gnomAD 0.003%). This sequence change affects codon 135 of the IFT74 mRNA. It is a 'silent' change, meaning that it does not change the encoded amino acid sequence of the IFT74 protein. It affects a nucleotide within the consensus splice site.